The following is an entry in ClinVar:

ClinVar aggregate classification (germline): Uncertain significance. Review status: criteria provided, multiple submitters, no conflicts (2 of 4 stars). 3 submissions from 3 submitters: Uncertain significance (3). Last evaluated 2025-03-19.

Conditions:
Hereditary breast ovarian cancer syndrome. Also called: BRCA1- and BRCA2-Associated Hereditary Breast and Ovarian Cancer; Hereditary breast and ovarian cancer; Hereditary breast and ovarian cancer syndrome (HBOC); Breast and ovarian cancer; Hereditary breast and/or ovarian cancer syndrome; Hereditary breast and ovarian cancer syndrome. Identifiers: Orphanet 145, MedGen C0677776, MeSH D061325, MONDO:0003582. Disease mechanism: loss of function.
Hereditary cancer-predisposing syndrome. Also called: Tumor predisposition; Neoplastic Syndromes, Hereditary; Hereditary Cancer Syndrome; Hereditary neoplastic syndrome. Identifiers: Orphanet 140162, MedGen C0027672, MeSH D009386, MONDO:0015356.
Ataxia-telangiectasia syndrome (AT). Also called: ATAXIA-TELANGIECTASIA, COMPLEMENTATION GROUP A; ATAXIA-TELANGIECTASIA, FRESNO VARIANT; Ataxia-telangiectasia; Ataxia-telangiectasia, complementation group D; AT, COMPLEMENTATION GROUP C; Ataxia-telangiectasia, complementation group E. Identifiers: Orphanet 100, MedGen C0004135, MONDO:0008840, OMIM 208900.

Submissions (3):

Labcorp Genetics (formerly Invitae), Labcorp
Classification: Uncertain significance for Ataxia-telangiectasia syndrome. Last evaluated: 2025-03-19. Review status: criteria provided, single submitter. Criteria: Invitae Variant Classification Sherloc (09022015). Collection method: clinical testing. Allele origin: germline.
Comment: This sequence change replaces glutamine, which is neutral and polar, with histidine, which is basic and polar, at codon 2101 of the ATM protein (p.Gln2101His). This variant is not present in population databases (gnomAD no frequency). This missense change has been observed in individual(s) with breast and/or ovarian cancer (PMID: 30287823). ClinVar contains an entry for this variant (Variation ID: 826311). Invitae Evidence Modeling of protein sequence and biophysical properties (such as structural, functional, and spatial information, amino acid conservation, physicochemical variation, residue mobility, and thermodynamic stability) indicates that this missense variant is not expected to disrupt ATM protein function with a negative predictive value of 95%. In summary, the available evidence is currently insufficient to determine the role of this variant in disease. Therefore, it has been classified as a Variant of Uncertain Significance.

Cancer Genomics Group, Japanese Foundation For Cancer Research
Classification: Uncertain significance for Hereditary breast and ovarian cancer syndrome. Last evaluated: 2019-05-01. Review status: criteria provided, single submitter. Criteria: ACMG Guidelines, 2015. Collection method: research. Allele origin: germline. Affected: yes.

Ambry Genetics
Classification: Uncertain significance for Hereditary cancer-predisposing syndrome. Last evaluated: 2018-03-08. Review status: criteria provided, single submitter. Criteria: Ambry Variant Classification Scheme 2023. Collection method: clinical testing. Allele origin: germline.
Comment: The p.Q2101H variant (also known as c.6303A>C), located in coding exon 42 of the ATM gene, results from an A to C substitution at nucleotide position 6303. The glutamine at codon 2101 is replaced by histidine, an amino acid with highly similar properties. This amino acid position is highly conserved in available vertebrate species. In addition, this alteration is predicted to be deleterious by in silico analysis. Since supporting evidence is limited at this time, the clinical significance of this alteration remains unclear.

Literature cited by the submitters: PubMed 30287823 (cited by Labcorp Genetics (formerly Invitae), Labcorp).

NM_000051.4(ATM):c.6303A>C (p.Gln2101His)

Genes: ATM (ATM serine/threonine kinase; plus strand), C11orf65 (chromosome 11 open reading frame 65; minus strand). Cytogenetic location: 11q22.3.
Variant type: single nucleotide variant.
Coding change: c.6303A>C on transcript NM_000051.4 (MANE Select); coding-DNA position 6303, A replaced by C.
Protein change: p.Gln2101His; replaces glutamine 2101 with histidine.
Molecular consequence: missense variant. On other transcripts: intron variant (2).
Genome position (GRCh38, 1-based): chr11:108,317,477, A>C. VCF-style: chr11-108317477-A-C. GRCh37 (hg19) VCF-style: chr11-108188204-A-C.
Other names: c.6303A>C, p.Gln2101His (NM_001351834.2); c.641-8406T>G (NM_001330368.2); c.*39-8406T>G (NM_001351110.2); short protein forms Q2101H.
Identifiers: ClinVar variation 826311 (VCV000826311.8), dbSNP rs876659325, ClinGen allele CA382552119.